The following is an entry in ClinVar:

ClinVar aggregate classification (germline): Uncertain significance (1 of 4 stars; one submission).

Conditions:
Familial adenomatous polyposis 2. Also called: COLORECTAL ADENOMATOUS POLYPOSIS, AUTOSOMAL RECESSIVE; ADENOMAS, MULTIPLE COLORECTAL, AUTOSOMAL RECESSIVE; MUTYH-associated polyposis; MUTYH Polyposis; Adenomas, multiple colorectal; MUTYH-related attenuated familial adenomatous polyposis. Identifiers: Orphanet 220460, Orphanet 247798, MedGen C3272841, MONDO:0012041, OMIM 608456.

Submission:

Labcorp Genetics (formerly Invitae), Labcorp
Classification: Uncertain significance for Familial adenomatous polyposis 2. Last evaluated: 2021-05-30. Review status: criteria provided, single submitter. Criteria: Invitae Variant Classification Sherloc (09022015). Collection method: clinical testing. Allele origin: germline.
Comment: This sequence change replaces leucine with proline at codon 137 of the MUTYH protein (p.Leu137Pro). The leucine residue is highly conserved and there is a moderate physicochemical difference between leucine and proline. This variant is not present in population databases (ExAC no frequency). In summary, the available evidence is currently insufficient to determine the role of this variant in disease. Therefore, it has been classified as a Variant of Uncertain Significance. Algorithms developed to predict the effect of missense changes on protein structure and function (SIFT, PolyPhen-2, Align-GVGD) all suggest that this variant is likely to be disruptive, but these predictions have not been confirmed by published functional studies and their clinical significance is uncertain. This variant has not been reported in the literature in individuals with MUTYH-related conditions.

NM_001048174.2(MUTYH):c.326T>C (p.Leu109Pro)

Gene: MUTYH (mutY DNA glycosylase; minus strand). Cytogenetic location: 1p34.1.
Variant type: single nucleotide variant.
Coding change: c.326T>C on transcript NM_001048174.2 (MANE Select); coding-DNA position 326, T replaced by C.
Protein change: p.Leu109Pro; replaces leucine 109 with proline.
Molecular consequence: missense variant. On other transcripts: non-coding transcript variant (1), intron variant (2).
Genome position (GRCh38, 1-based): chr1:45,333,149, A>G on the plus strand (T>C on the coding strand, the complement: MUTYH is on the minus strand). VCF-style: chr1-45333149-A-G. GRCh37 (hg19) VCF-style: chr1-45798821-A-G.
Other names: c.410T>C, p.Leu137Pro (NM_001128425.2); c.371T>C, p.Leu124Pro (NM_001293190.2); c.359T>C, p.Leu120Pro (NM_001293191.2); c.50T>C, p.Leu17Pro (NM_001293192.2, NM_001293196.2); c.326T>C, p.Leu109Pro (NM_001293195.2, NM_001048171.2, NM_001048173.2); c.401T>C, p.Leu134Pro (NM_012222.3); c.33+136T>C (NM_001350651.2, NM_001350650.2); c.329T>C, p.Leu110Pro (NM_001048172.2); short protein forms L124P, L134P, L17P, L109P, L137P, L110P, L120P.
Identifiers: ClinVar variation 1437622 (VCV001437622.8), dbSNP rs2149165922, ClinGen allele CA340136175.
Genomic context (GRCh38, chr1:45,333,149, plus strand): 5'-GGAGTCACCTGCATCCATCCGGTATAGTAGTTGATCACAGTGGCAACCTGGGTCTGCTGC[A>G]GCATGACCTCTGAGACCCACACTGGGGGAAAGGGGTTGGCATGAGGACACTGCTGACCTG-3'
Protein context (NP_001041639.1, residues 99-119): AYAVWVSEVM[Leu109Pro]QQTQVATVIN